The following is an entry in ClinVar:

ClinVar aggregate classification (germline): Uncertain significance (1 of 4 stars; one submission).

Conditions:
Cardiovascular phenotype. Identifiers: MedGen CN230736.

gnomAD v4.1: 7 of 1,613,864 alleles (0.00043%); highest among the groups gnomAD compares: African/African-American, 0.0053%; no homozygotes.

Submission:

Ambry Genetics
Classification: Uncertain significance for Cardiovascular phenotype. Last evaluated: 2022-04-04. Review status: criteria provided, single submitter. Criteria: Ambry Variant Classification Scheme 2023. Collection method: clinical testing. Allele origin: germline.
Comment: The p.P460S variant (also known as c.1378C>T), located in coding exon 7 of the EPHB4 gene, results from a C to T substitution at nucleotide position 1378. The proline at codon 460 is replaced by serine, an amino acid with similar properties. This amino acid position is conserved. In addition, this alteration is predicted to be tolerated by in silico analysis. Since supporting evidence is limited at this time, the clinical significance of this alteration remains unclear.

NM_004444.5(EPHB4):c.1378C>T (p.Pro460Ser)

Gene: EPHB4 (EPH receptor B4; minus strand). Cytogenetic location: 7q22.1.
Variant type: single nucleotide variant.
Coding change: c.1378C>T on transcript NM_004444.5 (MANE Select); coding-DNA position 1378, C replaced by T.
Protein change: p.Pro460Ser; replaces proline 460 with serine.
Molecular consequence: missense variant.
Genome position (GRCh38, 1-based): chr7:100,818,564, G>A on the plus strand (C>T on the coding strand, the complement: EPHB4 is on the minus strand). VCF-style: chr7-100818564-G-A. GRCh37 (hg19) VCF-style: chr7-100416186-G-A.
Other names: short protein forms P460S.
Identifiers: ClinVar variation 1771219 (VCV001771219.2), dbSNP rs1259405750, ClinGen allele CA368573591.